The following is an entry in ClinVar:

NM_001130987.2(DYSF):c.4053del (p.Ile1352fs)

Gene: DYSF (dysferlin; plus strand). Cytogenetic location: 2p13.2.
Variant type: Deletion.
Coding change: c.4053del on transcript NM_001130987.2 (MANE Select); coding-DNA position 4053, one base deleted (C; older notation c.4053delC).
Protein change: p.Ile1352fs; shifts the reading frame from isoleucine 1352.
Molecular consequence: frameshift variant.
Genome position (GRCh38, 1-based): chr2:71,611,340, C deleted; the last of 2 consecutive C bases (chr2:71,611,339-71,611,340); deleting either gives the same sequence. VCF-style (leftmost placement, unchanged base first): chr2-71611338-GC-G. GRCh37 (hg19) VCF-style: chr2-71838468-GC-G.
Other names: c.4050del, p.Ile1351fs (NM_001130981.2, NM_001130980.2); c.4095del, p.Ile1366fs (NM_001130982.2); c.4002del, p.Ile1335fs (NM_001130983.2, NM_001130455.2); c.3960del, p.Ile1321fs (NM_001130984.2, NM_001130986.2); c.4053del, p.Ile1352fs (NM_001130985.2); c.3999del, p.Ile1334fs (NM_003494.4, NM_001130978.2); c.3957del, p.Ile1320fs (NM_001130976.2, NM_001130977.2); c.4092del, p.Ile1365fs (NM_001130979.2); short protein forms I1320fs, I1321fs, I1334fs, I1335fs, I1351fs, I1352fs, I1365fs, I1366fs.
Identifiers: ClinVar variation 1726908 (VCV001726908.3), dbSNP rs2546126754, ClinGen allele CA2580067817.
Genomic context (GRCh38, chr2:71,611,338, plus strand): 5'-CAGAGGGAGGCCAACATCTACATGGTTCCTCAGAACATCAAGCCAGCGCTCCAGCGTACC[GC>G]CATCGAGGTGAGCCGTCCGGGCCTGGGCGTGGGGGCTGGGAGCAGCCTGCCCTTCCCCTT-3'

ClinVar aggregate classification (germline): Likely pathogenic (1 of 4 stars; one submission).

Conditions:
Autosomal recessive limb-girdle muscular dystrophy. Identifiers: Orphanet 102015, MedGen C2931907, MONDO:0015152.

Submission:

Myriad Genetics, Inc.
Classification: Likely pathogenic for Autosomal recessive limb-girdle muscular dystrophy. Last evaluated: 2022-01-02. Review status: criteria provided, single submitter. Criteria: Myriad Autosomal Dominant, Autosomal Recessive and X-Linked Classification Criteria (2023). Collection method: clinical testing. Allele origin: unknown.
Comment: NM_003494.3(DYSF):c.3999delC(I1334Sfs*11) is expected to be pathogenic in the context of dysferlinopathy. This variant is predicted to lead to an abnormal or absent protein product due to the creation of a premature termination codon in DYSF, a gene where loss-of-function variants are known to be pathogenic. Please note: this variant was assessed in the context of healthy population screening.